The following is an entry in ClinVar:

ClinVar aggregate classification (germline): Benign. Review status: criteria provided, multiple submitters, no conflicts (2 of 4 stars). 3 submissions from 3 submitters: Benign (3). Last evaluated 2023-11-12.

Allele frequency attached by ClinVar (database versions not stated): 1000 Genomes Project 0.31390; gnomAD 0.23133 and 0.24430; TOPMed 0.24307; 1000 Genomes Project 30x 0.30309.

Submissions (9):

Unidad de Genómica Garrahan, Hospital de Pediatría Garrahan
Classification: Benign. Last evaluated: 2023-11-12. Review status: criteria provided, single submitter. Criteria: ACMG Guidelines, 2015. Collection method: clinical testing. Allele origin: germline. Affected: no. Observed: 74 variant alleles.
Comment: This variant is classified as Benign based on local population frequency. This variant was detected in 77% of patients studied by a panel of primary immunodeficiencies. Number of patients: 74. Only high quality variants are reported.

GeneDx
Classification: Benign. Last evaluated: 2015-03-03. Review status: criteria provided, single submitter. Criteria: GeneDx Variant Classification Process June 2021. Collection method: clinical testing. Allele origin: germline. Affected: yes.

Breakthrough Genomics
Classification: Benign. Review status: criteria provided, single submitter. Criteria: ACMG Guidelines, 2015. Collection method: not provided. Allele origin: germline. Inheritance: Autosomal dominant inheritance. Affected: yes.

Dr. Peter K. Rogan Lab, Western University
No classification provided (evidence only). Condition: Malignant lymphoma, large B-cell, diffuse. Review status: no classification provided. Collection method: in vitro. Allele origin: not applicable. Functional consequence: skipped exon, retained intron. Not counted in ClinVar's aggregate classification.

Dr. Peter K. Rogan Lab, Western University
No classification provided (evidence only). Condition: Malignant lymphoma, large B-cell, diffuse. Review status: no classification provided. Collection method: in vitro. Allele origin: not applicable. Functional consequence: retained intron. Not counted in ClinVar's aggregate classification.

Dr. Peter K. Rogan Lab, Western University
No classification provided (evidence only). Condition: Malignant lymphoma, large B-cell, diffuse. Review status: no classification provided. Collection method: in vitro. Allele origin: not applicable. Functional consequence: skipped exon, retained intron. Not counted in ClinVar's aggregate classification.

Dr. Peter K. Rogan Lab, Western University
No classification provided (evidence only). Condition: Malignant lymphoma, large B-cell, diffuse. Review status: no classification provided. Collection method: in vitro. Allele origin: not applicable. Functional consequence: retained intron. Not counted in ClinVar's aggregate classification.

Dr. Peter K. Rogan Lab, Western University
No classification provided (evidence only). Condition: Cholangiocarcinoma. Review status: no classification provided. Collection method: in vitro. Allele origin: not applicable. Functional consequence: retained intron. Not counted in ClinVar's aggregate classification.

Dr. Peter K. Rogan Lab, Western University
No classification provided (evidence only). Condition: Cholangiocarcinoma. Review status: no classification provided. Collection method: in vitro. Allele origin: not applicable. Functional consequence: skipped exon. Not counted in ClinVar's aggregate classification.

NM_003978.5(PSTPIP1):c.642+107C>A

Gene: PSTPIP1 (proline-serine-threonine phosphatase interacting protein 1; plus strand). Cytogenetic location: 15q24.3.
Variant type: single nucleotide variant.
Coding change: c.642+107C>A on transcript NM_003978.5 (MANE Select); 107 bases into the intron after coding-DNA position 642, C replaced by A.
Molecular consequence: intron variant.
Genome position (GRCh38, 1-based): chr15:77,030,688, C>A. VCF-style: chr15-77030688-C-A. GRCh37 (hg19) VCF-style: chr15-77323029-C-A.
Other names: NC_000015.9:g.77323029C>A; c.837+107C>A (NM_001321137.1); c.615+107C>A (NM_001321136.2); c.642+107C>A (NM_001321135.2).
Identifiers: ClinVar variation 1252619 (VCV001252619.6), dbSNP rs12903227, ClinGen allele CA14106806.